The following is an entry in ClinVar:

NC_000009.11:g.(?_4984530)_(5022233_?)dup

Gene: JAK2 (Janus kinase 2; plus strand). Cytogenetic location: 9p24.1.
Variant type: Duplication.
Identifiers: ClinVar variation 3245331 (VCV003245331.1).

ClinVar aggregate classification (germline): Uncertain significance (1 of 4 stars; one submission).

Submission:

Labcorp Genetics (formerly Invitae), Labcorp
Classification: Uncertain significance. Last evaluated: 2023-07-09. Review status: criteria provided, single submitter. Criteria: Invitae Variant Classification Sherloc (09022015). Collection method: clinical testing. Allele origin: unknown.
Comment: In summary, the available evidence is currently insufficient to determine the role of this variant in disease. Therefore, it has been classified as a Variant of Uncertain Significance. This variant has not been reported in the literature in individuals affected with JAK2-related conditions. This variant results in a copy number gain of the genomic region encompassing exon(s) 1-3 of the JAK2 gene. This region includes the initiator codon of the gene. This copy number gain extends beyond the assayed region for this gene and therefore may encompass additional genes. As the precise location of this event is unknown, it may be in tandem or it may be located elsewhere in the genome.